The following is an entry in ClinVar:

ClinVar aggregate classification (germline): Uncertain significance (1 of 4 stars; one submission).

gnomAD v4.1: 7 of 1,613,400 alleles (0.00043%); highest among the groups gnomAD compares: Non-Finnish European, 0.00059%; no homozygotes.

Submission:

Labcorp Genetics (formerly Invitae), Labcorp
Classification: Uncertain significance. Last evaluated: 2025-05-21. Review status: criteria provided, single submitter. Criteria: Invitae Variant Classification Sherloc (09022015). Collection method: clinical testing. Allele origin: germline.
Comment: This sequence change falls in intron 14 of the ABCC8 gene. It does not directly change the encoded amino acid sequence of the ABCC8 protein. It affects a nucleotide within the consensus splice site. This variant is present in population databases (no rsID available, gnomAD 0.002%). This variant has not been reported in the literature in individuals affected with ABCC8-related conditions. Variants that disrupt the consensus splice site are a relatively common cause of aberrant splicing (PMID: 17576681, 9536098). Algorithms developed to predict the effect of sequence changes on RNA splicing suggest that this variant is not likely to affect RNA splicing. In summary, the available evidence is currently insufficient to determine the role of this variant in disease. Therefore, it has been classified as a Variant of Uncertain Significance.

Literature cited by the submitters: PubMed 17576681; PubMed 9536098.

NM_000352.6(ABCC8):c.2041-3A>G

Gene: ABCC8 (ATP binding cassette subfamily C member 8; minus strand). Cytogenetic location: 11p15.1.
Variant type: single nucleotide variant.
Coding change: c.2041-3A>G on transcript NM_000352.6 (MANE Select); 3 bases into the intron before coding-DNA position 2041, A replaced by G.
Molecular consequence: intron variant.
Genome position (GRCh38, 1-based): chr11:17,427,945, T>C on the plus strand (A>G on the coding strand, the complement: ABCC8 is on the minus strand). VCF-style: chr11-17427945-T-C. GRCh37 (hg19) VCF-style: chr11-17449492-T-C.
Other names: c.2038-3A>G (NM_001351297.2, NM_001351296.2); c.2107-3A>G (NM_001351295.2); c.2041-3A>G (NM_001287174.3).
Identifiers: ClinVar variation 4753077 (VCV004753077.1).
Genomic context (GRCh38, chr11:17,427,945, plus strand): 5'-TGATGTTGGACAGTGTGGGGATTCCATCTGGGGTCCACGTGAAGTAGCCTCCCATGATCT[T>C]CATTAGGCGTGTCCCACCGCCCAGGAGAGAACAGAAAGGCAGCCAGTTCCCAGTGAATAG-3'